The following is an entry in ClinVar:

ClinVar aggregate classification (germline): Uncertain significance (1 of 4 stars; one submission).

Submission:

GeneDx
Classification: Uncertain significance. Last evaluated: 2021-04-27. Review status: criteria provided, single submitter. Criteria: GeneDx Variant Classification Process June 2021. Collection method: clinical testing. Allele origin: germline. Affected: yes.
Comment: Has not been previously published as pathogenic or benign to our knowledge; Not observed in large population cohorts (Lek et al., 2016); In silico analysis supports that this missense variant has a deleterious effect on protein structure/function

NM_001394062.1(MACF1):c.17540G>C (p.Gly5847Ala)

Gene: MACF1 (microtubule actin crosslinking factor 1; plus strand). Cytogenetic location: 1p34.3.
Variant type: single nucleotide variant.
Coding change: c.17540G>C on transcript NM_001394062.1 (MANE Select); coding-DNA position 17540, G replaced by C.
Protein change: p.Gly5847Ala; replaces glycine 5847 with alanine.
Molecular consequence: missense variant.
Genome position (GRCh38, 1-based): chr1:39,433,130, G>C. VCF-style: chr1-39433130-G-C. GRCh37 (hg19) VCF-style: chr1-39898802-G-C.
Other names: c.11354G>C, p.Gly3785Ala (NM_012090.5); short protein forms G3785A, G5847A.
Identifiers: ClinVar variation 1314817 (VCV001314817.2), dbSNP rs2148654164, ClinGen allele CA339803665.
Genomic context (GRCh38, chr1:39,433,130, plus strand): 5'-GACACAAAGATTCAATGGATGAACTCTTCAGTCACCGTAGTGAAATCTTTGGCACATGTG[G>C]GGAGGAGCAAAAAACTGTATTACAGGTGAATTACATTTATTTATTTGCCATATTGTTCCT-3'
Protein context (NP_001380991.1, residues 5837-5857): SHRSEIFGTC[Gly5847Ala]EEQKTVLQEK